The following is an entry in ClinVar:

ClinVar aggregate classification (germline): Likely pathogenic. Review status: criteria provided, multiple submitters, no conflicts (2 of 4 stars). 2 submissions from 2 submitters: Likely pathogenic (2). Last evaluated 2023-05-10.

Conditions:
Dilated cardiomyopathy 1G (CMD1G). Identifiers: Orphanet 154, MedGen C1858763, MONDO:0011400, OMIM 604145.
Autosomal recessive limb-girdle muscular dystrophy type 2J (LGMDR10). Also called: MUSCULAR DYSTROPHY, LIMB-GIRDLE, AUTOSOMAL RECESSIVE 10; Limb-girdle muscular dystrophy, type 2J. Identifiers: Orphanet 140922, MedGen C1837342, MONDO:0012127, OMIM 608807.

Allele frequency attached by ClinVar (database versions not stated): gnomAD exomes below 0.00001; ExAC 0.00001; gnomAD 0.00001.
gnomAD v4.1: 1 of 1,613,452 alleles (0.000062%); highest among the groups gnomAD compares: Non-Finnish European, 0.000085%; no homozygotes.

Submissions (2):

GeneDx
Classification: Likely pathogenic. Last evaluated: 2023-05-10. Review status: criteria provided, single submitter. Criteria: GeneDx Variant Classification Process June 2021. Collection method: clinical testing. Allele origin: germline. Affected: yes.
Comment: Nonsense variant predicted to result in protein truncation or nonsense mediated decay in a gene for which loss of function is a known mechanism of disease; Located in the A-band region of TTN in which the majority of loss of function variants have been associated with autosomal dominant titinopathies (Herman et al., 2012); Not observed at significant frequency in large population cohorts (gnomAD); Has not been previously published as pathogenic or benign to our knowledge; This variant is associated with the following publications: (PMID: 22335739)

Labcorp Genetics (formerly Invitae), Labcorp
Classification: Likely pathogenic for Dilated cardiomyopathy 1G; Autosomal recessive limb-girdle muscular dystrophy type 2J. Last evaluated: 2021-09-20. Review status: criteria provided, single submitter. Criteria: Invitae Variant Classification Sherloc (09022015). Collection method: clinical testing. Allele origin: germline.
Comment: In summary, the currently available evidence indicates that the variant is pathogenic, but additional data are needed to prove that conclusively. Therefore, this variant has been classified as Likely Pathogenic. This variant is located in the A band of TTN (PMID: 25589632). Truncating variants in this region are significantly overrepresented in patients affected with dilated cardiomyopathy (PMID: 25589632). Truncating variants in this region have also been reported in individuals affected with autosomal recessive centronuclear myopathy (PMID: 23975875). ClinVar contains an entry for this variant (Variation ID: 388202). This variant has not been reported in the literature in individuals affected with TTN-related conditions. This variant is present in population databases (rs772842119, ExAC 0.002%). This sequence change creates a premature translational stop signal (p.Cys28085*) in the TTN gene. While this is not anticipated to result in nonsense mediated decay, it is expected to create a truncated TTN protein.

Literature cited by the submitters: PubMed 25589632 (cited by Labcorp Genetics (formerly Invitae), Labcorp); PubMed 23975875 (cited by Labcorp Genetics (formerly Invitae), Labcorp).

NM_001267550.2(TTN):c.84255C>A (p.Cys28085Ter)

Genes: TTN (titin; minus strand), TTN-AS1 (TTN antisense RNA 1; plus strand). Cytogenetic location: 2q31.2.
Variant type: single nucleotide variant.
Coding change: c.84255C>A on transcript NM_001267550.2 (MANE Select); coding-DNA position 84255, C replaced by A.
Protein change: p.Cys28085Ter; replaces cysteine 28085 with a stop codon.
Molecular consequence: nonsense.
Genome position (GRCh38, 1-based): chr2:178,561,877, G>T on the plus strand (C>A on the coding strand, the complement: TTN is on the minus strand). VCF-style: chr2-178561877-G-T. GRCh37 (hg19) VCF-style: chr2-179426604-G-T.
Other names: c.79332C>A, p.Cys26444Ter (NM_001256850.1); c.57060C>A, p.Cys19020Ter (NM_003319.4); c.76551C>A, p.Cys25517Ter (NM_133378.4); c.57435C>A, p.Cys19145Ter (NM_133432.3); c.57636C>A, p.Cys19212Ter (NM_133437.4); c.84255C>A (NM_001267550.1); short protein forms C26444*, C28085*, C19145*, C25517*, C19020*, C19212*.
Identifiers: ClinVar variation 388202 (VCV000388202.8), dbSNP rs772842119, ClinGen allele CA1988805.